The following is an entry in ClinVar:

NM_198880.3(QRICH1):c.336G>T (p.Pro112=)

Gene: QRICH1 (glutamine rich 1; minus strand). Cytogenetic location: 3p21.31.
Variant type: single nucleotide variant.
Coding change: c.336G>T on transcript NM_198880.3 (MANE Select); coding-DNA position 336, G replaced by T.
Protein change: p.Pro112=; no amino-acid change (proline 112 retained).
Molecular consequence: synonymous variant.
Genome position (GRCh38, 1-based): chr3:49,057,864, C>A on the plus strand (G>T on the coding strand, the complement: QRICH1 is on the minus strand). VCF-style: chr3-49057864-C-A. GRCh37 (hg19) VCF-style: chr3-49095297-C-A.
Other names: c.336G>T, p.Pro112= (NM_001320580.2, NM_001320581.2, NM_001320582.2 and 4 more transcripts).
Identifiers: ClinVar variation 2653822 (VCV002653822.24), dbSNP rs145975766, ClinGen allele CA74004519.

ClinVar aggregate classification (germline): Likely benign (1 of 4 stars; one submission).

gnomAD v4.1: 6 of 1,613,816 alleles (0.00037%); highest among the groups gnomAD compares: African/African-American, 0.0013%; no homozygotes.

Submission:

CeGaT Center for Human Genetics Tuebingen
Classification: Likely benign. Last evaluated: 2022-11-01. Review status: criteria provided, single submitter. Criteria: CeGaT Center For Human Genetics Tuebingen Variant Classification Criteria Version 2. Collection method: clinical testing. Allele origin: germline. Affected: yes. Observed: 1 variant allele.
Comment: QRICH1: BP4, BP7